The following is an entry in ClinVar:

ClinVar aggregate classification (germline): Likely pathogenic. Review status: criteria provided, multiple submitters, no conflicts (2 of 4 stars). 2 submissions from 2 submitters: Likely pathogenic (2). Last evaluated 2024-02-07.

Conditions:
Pontoneocerebellar hypoplasia. Also called: Non-syndromic pontocerebellar hypoplasia; Pontocerebellar hypoplasia. Identifiers: Orphanet 98523, MedGen C1261175, MONDO:0020135.
Pontocerebellar hypoplasia type 6 (PCH6). Identifiers: Orphanet 166073, MedGen C1969084, MONDO:0012683, OMIM 611523.

Submissions (2):

Baylor Genetics
Classification: Likely pathogenic for Pontocerebellar hypoplasia type 6. Last evaluated: 2024-02-07. Review status: criteria provided, single submitter. Criteria: ACMG Guidelines, 2015. Collection method: clinical testing. Allele origin: unknown.

Women's Health and Genetics/Laboratory Corporation of America, LabCorp
Classification: Likely pathogenic for Pontoneocerebellar hypoplasia. Last evaluated: 2022-02-14. Review status: criteria provided, single submitter. Criteria: LabCorp Variant Classification Summary - May 2015. Collection method: clinical testing. Allele origin: germline.
Comment: Variant summary: RARS2 c.1628_1631delATAG (p.Asp543ValfsX20) results in a premature termination codon within the last exon of the gene, predicted to cause a truncation of the encoded protein which is a commonly known mechanism for disease. The variant results in the removal of the last 16 amino acids of the encoded protein, truncating the DALR anticodon binding domain (IPR008909). A truncation downstream of this position, located one codon before the regular termination codon and resulting in the removal of 1 amino acid from the encoded protein (i.e. c.1724dupT, p.Cys576MetfsX2), has been cited in ClinVar as VUS (Variation ID: 215077). Nevertheless, a variant located in a canonical splice-site and predicted to affect mRNA splicing of the last exon (c.1651-2A>G), has been reported in the literature in two compound heterozygous siblings affected with Pontocerebellar Hypoplasia, Type 6 (PMID 24047924). To our knowledge, no occurrence of c.1628_1631delATAG in individuals affected with Pontocerebellar Hypoplasia, Type 6 and no experimental evidence demonstrating its impact on protein function have been reported. The variant allele was found at a frequency of 1.2e-05 in 251386 control chromosomes (gnomAD). No clinical diagnostic laboratories have submitted clinical-significance assessments for this variant to ClinVar after 2014. Based on the evidence outlined above, the variant was classified as likely pathogenic.

NM_020320.5(RARS2):c.1628_1631del (p.Asp543fs)

Gene: RARS2 (arginyl-tRNA synthetase 2, mitochondrial; minus strand). Cytogenetic location: 6q15.
Variant type: Deletion.
Coding change: c.1628_1631del on transcript NM_020320.5 (MANE Select); coding-DNA positions 1628 to 1631, 4 bases deleted (ATAG; older notation c.1628_1631delATAG).
Protein change: p.Asp543fs; shifts the reading frame from aspartic acid 543.
Molecular consequence: frameshift variant. On other transcripts: non-coding transcript variant (23).
Genome position (GRCh38, 1-based): chr6:87,514,976-87,514,979, CTAT deleted on the plus strand (ATAG on the coding strand, the reverse complement: RARS2 is on the minus strand); deleting any 4 consecutive bases within chr6:87,514,976-87,514,981 gives the same sequence; the c. name uses the placement nearest the transcript's 3' end. VCF-style (leftmost placement, unchanged base first): chr6-87514975-ACTAT-A. GRCh37 (hg19) VCF-style: chr6-88224693-ACTAT-A.
Other names: c.1103_1106del, p.Asp368fs (NM_001318785.2, NM_001350506.2, NM_001350507.2 and 4 more transcripts); c.1628_1631del, p.Asp543fs (NM_001350505.2); short protein forms D368fs, D543fs.
Identifiers: ClinVar variation 1343696 (VCV001343696.2), dbSNP rs757778880, ClinGen allele CA3916188.